The following is an entry in ClinVar:

ClinVar aggregate classification (germline): Likely benign. Review status: criteria provided, single submitter (1 of 4 stars). 2 submissions from 2 submitters: Likely benign (1). 1 of the submissions does not count toward it. Last evaluated 2026-01-07.

Conditions:
PHIP-related disorder. Also called: PHIP-related condition; PHIP-related disorders.

gnomAD v4.1: 7 of 1,604,412 alleles (0.00044%); highest among the groups gnomAD compares: African/African-American, 0.0013%; no homozygotes.

Submissions (2):

Labcorp Genetics (formerly Invitae), Labcorp
Classification: Likely benign. Last evaluated: 2026-01-07. Review status: criteria provided, single submitter. Criteria: Invitae Variant Classification Sherloc (09022015). Collection method: clinical testing. Allele origin: germline.

PreventionGenetics, part of Exact Sciences
Classification: Uncertain significance for PHIP-related condition. Last evaluated: 2024-04-12. Review status: no assertion criteria provided. Collection method: clinical testing. Allele origin: germline. Not counted in ClinVar's aggregate classification.
Comment: The PHIP c.3399A>G variant is not predicted to result in an amino acid change (p.=). To our knowledge, this variant has not been reported in the literature. This variant is reported in 0.0064% of alleles in individuals of African descent in gnomAD. Available splice-prediction in silico tools give conflicting results for the expected effect of this synonymous change on splice (Alamut Visual Plus v1.6.1, SpliceAI). Although we suspect that this variant may be benign, the clinical significance of this variant is classified as uncertain at this time due to insufficient functional and genetic evidence.

NM_017934.7(PHIP):c.3399A>G (p.Leu1133=)

Genes: IRAK1BP1 (interleukin 1 receptor associated kinase 1 binding protein 1; plus strand), PHIP (PHIP subunit of CUL4-Ring ligase complex; minus strand). Cytogenetic location: 6q14.1.
Variant type: single nucleotide variant.
Coding change: c.3399A>G on transcript NM_017934.7 (MANE Select); coding-DNA position 3399, A replaced by G.
Protein change: p.Leu1133=; no amino-acid change (leucine 1133 retained).
Molecular consequence: synonymous variant.
Genome position (GRCh38, 1-based): chr6:78,963,233, T>C on the plus strand (A>G on the coding strand, the complement: PHIP is on the minus strand). VCF-style: chr6-78963233-T-C. GRCh37 (hg19) VCF-style: chr6-79672950-T-C.
Identifiers: ClinVar variation 3347260 (VCV003347260.2).
Genomic context (GRCh38, chr6:78,963,233, plus strand): 5'-ATCAAGAGGTTTATAGATTAGTGATCTGCACTCACCATCAGTTAAAGGAACACTGGTACC[T>C]AGTTCTTCAGGAAATACAGCTGAAATAGAAAAGCAGATCATTGCAAATACATGGTAACTT-3'
Protein context (NP_060404.4, residues 1123-1143): IPNNAVFPEE[Leu1133=]GTSVPLTDGE